The following is an entry in ClinVar:

NM_024422.6(DSC2):c.1263+2T>G

Gene: DSC2 (desmocollin 2; minus strand). Cytogenetic location: 18q12.1.
Variant type: single nucleotide variant.
Coding change: c.1263+2T>G on transcript NM_024422.6 (MANE Select); the canonical splice donor site of the intron after coding-DNA position 1263, T replaced by G.
Molecular consequence: splice donor variant.
Genome position (GRCh38, 1-based): chr18:31,082,236, A>C on the plus strand (T>G on the coding strand, the complement: DSC2 is on the minus strand). VCF-style: chr18-31082236-A-C. GRCh37 (hg19) VCF-style: chr18-28662202-A-C.
Other names: c.1263+2T>G (NM_004949.5); c.834+2T>G (NM_001406506.1, NM_001406507.1).
Identifiers: ClinVar variation 4851273 (VCV004851273.1).
Genomic context (GRCh38, chr18:31,082,236, plus strand): 5'-AAATTCTAGCATGCTATTCTATGATATTATAAACTACAAATAATGTTCTAATTTATTCTT[A>C]CCTTAACTACACAAAGAACTCCTTCATTGGTTTTGGCATCTGTTACAATTTTAAAATTGC-3'

ClinVar aggregate classification (germline): Pathogenic (1 of 4 stars; one submission).

Conditions:
Arrhythmogenic right ventricular dysplasia 11. Also called: ARRHYTHMOGENIC RIGHT VENTRICULAR DYSPLASIA, FAMILIAL, 11; Arrhythmogenic Right Ventricular Dysplasia/Cardiomyopathy11; Arrhythmogenic right ventricular dysplasia 11 with mild palmoplantar keratoderma and woolly hair. Identifiers: MedGen C1864850, MONDO:0012506, OMIM 610476.

Submission:

Molecular Genetics Laboratory, Motol Hospital
Classification: Pathogenic for Arrhythmogenic right ventricular dysplasia 11. Last evaluated: 2026-05-14. Review status: criteria provided, single submitter. Criteria: ACMG Guidelines, 2015. Collection method: clinical testing. Allele origin: germline. Inheritance: Autosomal recessive inheritance. Affected: yes. Observed: 1 variant allele, 1 compound heterozygote.
Comment: A rare variant not present in non-Finnish European population (gnomAD v4.1.1). Rare variants in the DSC2 gene are associated with autosomal recessive arrhytmogenic right ventricular dysplasia (ARVD11) (OMIM:610476) (PVS1). The variant is classified as pathogenic.

Literature cited by the submitters: PubMed 40123482; PubMed 33784018; PubMed 41652012.